The following is an entry in ClinVar:

NM_012305.4(AP2A2):c.1614G>A (p.Ala538=)

Gene: AP2A2 (adaptor related protein complex 2 subunit alpha 2; plus strand). Cytogenetic location: 11p15.5.
Variant type: single nucleotide variant.
Coding change: c.1614G>A on transcript NM_012305.4 (MANE Select); coding-DNA position 1614, G replaced by A.
Protein change: p.Ala538=; no amino-acid change (alanine 538 retained).
Molecular consequence: synonymous variant. On other transcripts: non-coding transcript variant (2).
Genome position (GRCh38, 1-based): chr11:993,817, G>A. VCF-style: chr11-993817-G-A. GRCh37 (hg19) VCF-style: chr11-993817-G-A.
Other names: c.1617G>A, p.Ala539= (NM_001242837.2).
Identifiers: ClinVar variation 2641100 (VCV002641100.24), dbSNP rs201859072, ClinGen allele CA5794160.
Genomic context (GRCh38, chr11:993,817, plus strand): 5'-GCTGATCCAGTTCCACCTGCTGCACTCCAAGTTCCACCTGTGCAGCGTCCCCACCCGCGC[G>A]CTGCTCCTGTCCACCTACATCAAGTTCGTGAACCTCTTCCCGGAGGTGAAGCCCACCATC-3'
Protein context (NP_036437.1, residues 528-548): KFHLCSVPTR[Ala538=]LLLSTYIKFV

ClinVar aggregate classification (germline): Likely benign (1 of 4 stars; one submission).

Allele frequency attached by ClinVar (database versions not stated): 1000 Genomes Project 0.00140; 1000 Genomes Project 30x 0.00141; ESP Exome Variant Server 0.00186; gnomAD exomes 0.00258; ExAC 0.00320.
gnomAD v4.1: 4,122 of 1,608,076 alleles (0.26%); highest among the groups gnomAD compares: Middle Eastern, 0.28%; 10 homozygotes.

Submission:

CeGaT Center for Human Genetics Tuebingen
Classification: Likely benign. Last evaluated: 2023-01-01. Review status: criteria provided, single submitter. Criteria: CeGaT Center For Human Genetics Tuebingen Variant Classification Criteria Version 2. Collection method: clinical testing. Allele origin: germline. Affected: yes. Observed: 1 variant allele.
Comment: AP2A2: BP4, BP7